The following is an entry in ClinVar:

ClinVar aggregate classification (germline): Conflicting classifications of pathogenicity. Review status: criteria provided, conflicting classifications (1 of 4 stars). 2 submissions from 2 submitters: Uncertain significance (1); Benign (1). Last evaluated 2025-05-21.

Conditions:
Hereditary breast ovarian cancer syndrome. Also called: Hereditary breast and ovarian cancer; Breast and ovarian cancer; Hereditary breast and/or ovarian cancer syndrome; Hereditary breast and ovarian cancer syndrome; Hereditary breast and ovarian cancer syndrome (HBOC); BRCA1- and BRCA2-Associated Hereditary Breast and Ovarian Cancer. Identifiers: Orphanet 145, MedGen C0677776, MeSH D061325, MONDO:0003582. Disease mechanism: loss of function.
Hereditary cancer-predisposing syndrome. Also called: Tumor predisposition; Hereditary neoplastic syndrome; Neoplastic Syndromes, Hereditary; Hereditary Cancer Syndrome. Identifiers: Orphanet 140162, MedGen C0027672, MeSH D009386, MONDO:0015356.

Submissions (2):

Ambry Genetics
Classification: Benign for Hereditary cancer-predisposing syndrome. Last evaluated: 2025-05-21. Review status: criteria provided, single submitter. Criteria: Ambry Variant Classification Scheme 2023. Collection method: clinical testing. Allele origin: germline.

Labcorp Genetics (formerly Invitae), Labcorp
Classification: Uncertain significance for Hereditary breast ovarian cancer syndrome. Last evaluated: 2019-03-20. Review status: criteria provided, single submitter. Criteria: Invitae Variant Classification Sherloc (09022015). Collection method: clinical testing. Allele origin: germline.
Comment: In summary, the available evidence is currently insufficient to determine the role of this variant in disease. Therefore, it has been classified as a Variant of Uncertain Significance. Algorithms developed to predict the effect of missense changes on protein structure and function output the following: SIFT: "Tolerated"; PolyPhen-2: "Probably Damaging"; Align-GVGD: "Class C0". The serine amino acid residue is found in multiple mammalian species, suggesting that this missense change does not adversely affect protein function. These predictions have not been confirmed by published functional studies and their clinical significance is uncertain. This variant has not been reported in the literature in individuals with BRCA2-related conditions. This variant is not present in population databases (ExAC no frequency). This sequence change replaces asparagine with serine at codon 2553 of the BRCA2 protein (p.Asn2553Ser). The asparagine residue is moderately conserved and there is a small physicochemical difference between asparagine and serine.

NM_000059.4(BRCA2):c.7658A>G (p.Asn2553Ser)

Gene: BRCA2 (BRCA2 DNA repair associated; plus strand). Cytogenetic location: 13q13.1.
Variant type: single nucleotide variant.
Coding change: c.7658A>G on transcript NM_000059.4 (MANE Select); coding-DNA position 7658, A replaced by G.
Protein change: p.Asn2553Ser; replaces asparagine 2553 with serine.
Molecular consequence: missense variant.
Genome position (GRCh38, 1-based): chr13:32,357,782, A>G. VCF-style: chr13-32357782-A-G. GRCh37 (hg19) VCF-style: chr13-32931919-A-G.
Other names: short protein forms N2553S.
Identifiers: ClinVar variation 861180 (VCV000861180.13), dbSNP rs2072708555, ClinGen allele CA387744972.
Genomic context (GRCh38, chr13:32,357,782, plus strand): 5'-TGTGTGTTTATTTTGTGTAGCTGTATACGTATGGCGTTTCTAAACATTGCATAAAAATTA[A>G]CAGCAAAAATGCAGAGTCTTTTCAGTTTCACACTGAAGATTATTTTGGTAAGGAAAGTTT-3'
Protein context (NP_000050.3, residues 2543-2563): YGVSKHCIKI[Asn2553Ser]SKNAESFQFH